The following is an entry in ClinVar:

ClinVar aggregate classification (germline): Uncertain significance (1 of 4 stars; one submission).

Conditions:
Amyotrophic lateral sclerosis type 1 (ALS1). Also called: AMYOTROPHIC LATERAL SCLEROSIS 1, FAMILIAL. Identifiers: Orphanet 803, MedGen C1862939, MONDO:0007103, OMIM 105400.
Perry syndrome. Also called: PARKINSONISM WITH ALVEOLAR HYPOVENTILATION AND MENTAL DEPRESSION. Identifiers: Orphanet 178509, MedGen C1868594, MONDO:0008201, OMIM 168605.
Neuronopathy, distal hereditary motor, type 7B. Also called: Distal Hereditary Motor Neuronopathy Type 7B (dHMN7B); HMN VIIB; LOWER MOTOR NEURON DISEASE, DYNACTIN TYPE; NEURONOPATHY, DISTAL HEREDITARY MOTOR, AUTOSOMAL DOMINANT 14; NEURONOPATHY, DISTAL HEREDITARY MOTOR, HARDING TYPE VIIB; NEUROPATHY, DISTAL HEREDITARY MOTOR, HARDING TYPE VIIB. Identifiers: Orphanet 139589, MedGen C1843315, MONDO:0011879, OMIM 607641.

Submission:

Labcorp Genetics (formerly Invitae), Labcorp
Classification: Uncertain significance for Amyotrophic lateral sclerosis type 1; Neuronopathy, distal hereditary motor, type 7B; Perry syndrome. Last evaluated: 2016-08-30. Review status: criteria provided, single submitter. Criteria: Invitae Variant Classification Sherloc (09022015). Collection method: clinical testing. Allele origin: germline.
Comment: In summary, this variant is a novel missense change that is not predicted to affect protein function. There is no indication that it causes disease, but the available evidence is currently insufficient to prove that conclusively. Therefore, it has been classified as a Variant of Uncertain Significance. Algorithms developed to predict the effect of missense changes on protein structure and function (SIFT, PolyPhen-2, Align-GVGD) all suggest that this variant is likely to be tolerated, but these predictions have not been confirmed by published functional studies.The threonine amino acid residue is found in multiple mammalian species, suggesting that this missense change does not adversely affect protein function. This variant is not present in population databases (ExAC no frequency) and has not been reported in the literature in individuals with a DCTN1-related disease. This sequence change replaces alanine with threonine at codon 126 of the DCTN1 protein (p.Ala126Thr). The alanine residue is highly conserved and there is a small physicochemical difference between alanine and threonine.

NM_004082.5(DCTN1):c.376G>A (p.Ala126Thr)

Gene: DCTN1 (dynactin subunit 1; minus strand). Cytogenetic location: 2p13.1.
Variant type: single nucleotide variant.
Coding change: c.376G>A on transcript NM_004082.5 (MANE Select); coding-DNA position 376, G replaced by A.
Protein change: p.Ala126Thr; replaces alanine 126 with threonine.
Molecular consequence: missense variant. On other transcripts: non-coding transcript variant (1).
Genome position (GRCh38, 1-based): chr2:74,377,449, C>T on the plus strand (G>A on the coding strand, the complement: DCTN1 is on the minus strand). VCF-style: chr2-74377449-C-T. GRCh37 (hg19) VCF-style: chr2-74604576-C-T.
Other names: c.376G>A, p.Ala126Thr (NM_001135040.3, NM_001190837.2); c.325G>A, p.Ala109Thr (NM_001190836.2, NM_001378991.1, NM_001378992.1); short protein forms A109T, A126T.
Identifiers: ClinVar variation 468275 (VCV000468275.10), dbSNP rs1553466338, ClinGen allele CA347320649.
Genomic context (GRCh38, chr2:74,377,449, plus strand): 5'-CCCTCCCTTTATTATTCCCCATTCCCACCCCCAAATCACTCACCAGTTTGCTAGTCTTTG[C>T]AGTTGTATCAGTTCCCTCTGTAGAAAGCAAACAGAAACAAAGTGTGTACTTGTATAGAGA-3'
Protein context (NP_004073.2, residues 116-136): VLKREGTDTT[Ala126Thr]KTSKLRGLKP